The following is an entry in ClinVar:

ClinVar aggregate classification (germline): Pathogenic/Likely pathogenic. Review status: criteria provided, multiple submitters, no conflicts (2 of 4 stars). 2 submissions from 2 submitters: Pathogenic (1); Likely pathogenic (1). Last evaluated 2024-04-16.

Conditions:
Retinitis pigmentosa 28 (RP28). Identifiers: Orphanet 791, MedGen C1419614, MONDO:0011630, OMIM 606068.

Submissions (2):

Natera, Inc.
Classification: Likely pathogenic for Retinitis pigmentosa type 28. Last evaluated: 2024-04-16. Review status: criteria provided, single submitter. Criteria: Natera Variant Classification Schema (03/2026). Collection method: clinical testing. Allele origin: germline.
Comment: The c.1928C>G variant in FAM161A is a nonsense variant predicted to introduce a stop codon at amino acid 643. This variant is expected to result in nonsense mediated decay, truncation, or a dysfunctional protein product. This variant is rare in the general population with a frequency below the threshold expected for the associated phenotype(s). Given the available evidence, this variant is classified as Likely Pathogenic.

Labcorp Genetics (formerly Invitae), Labcorp
Classification: Pathogenic. Last evaluated: 2022-11-08. Review status: criteria provided, single submitter. Criteria: Invitae Variant Classification Sherloc (09022015). Collection method: clinical testing. Allele origin: germline.
Comment: This sequence change creates a premature translational stop signal (p.Ser643*) in the FAM161A gene. It is expected to result in an absent or disrupted protein product. Loss-of-function variants in FAM161A are known to be pathogenic (PMID: 20705278, 20705279, 24651477). This variant is not present in population databases (gnomAD no frequency). This variant has not been reported in the literature in individuals affected with FAM161A-related conditions. For these reasons, this variant has been classified as Pathogenic.

Literature cited by the submitters: PubMed 20705278 (cited by Labcorp Genetics (formerly Invitae), Labcorp); PubMed 20705279 (cited by Labcorp Genetics (formerly Invitae), Labcorp); PubMed 24651477 (cited by Labcorp Genetics (formerly Invitae), Labcorp).

NM_001201543.2(FAM161A):c.1928C>G (p.Ser643Ter)

Gene: FAM161A (FAM161 centrosomal protein A; minus strand). Cytogenetic location: 2p15.
Variant type: single nucleotide variant.
Coding change: c.1928C>G on transcript NM_001201543.2 (MANE Select); coding-DNA position 1928, C replaced by G.
Protein change: p.Ser643Ter; replaces serine 643 with a stop codon.
Molecular consequence: nonsense. On other transcripts: non-coding transcript variant (1).
Genome position (GRCh38, 1-based): chr2:61,827,182, G>C on the plus strand (C>G on the coding strand, the complement: FAM161A is on the minus strand). VCF-style: chr2-61827182-G-C. GRCh37 (hg19) VCF-style: chr2-62054317-G-C.
Other names: c.1928C>G (NM_001201543.1); c.1760C>G, p.Ser587Ter (NM_032180.3); short protein forms S587*, S643*.
Identifiers: ClinVar variation 2812990 (VCV002812990.4), dbSNP rs2465984706, ClinGen allele CA346984696.